The following is an entry in ClinVar:

NM_000092.5(COL4A4):c.2647_2648insT (p.Pro883fs)

Gene: COL4A4 (collagen type IV alpha 4 chain; minus strand). Cytogenetic location: 2q36.3.
Variant type: Insertion.
Coding change: c.2647_2648insT on transcript NM_000092.5 (MANE Select); coding-DNA positions 2647 to 2648, T inserted.
Protein change: p.Pro883fs; shifts the reading frame from proline 883.
Molecular consequence: frameshift variant.
Genome position: GRCh38 VCF-style: chr2-227056013-G-GA. GRCh37 (hg19) VCF-style: chr2-227920729-G-GA.
Other names: short protein forms P883fs.
Identifiers: ClinVar variation 5015996 (VCV005015996.1).

ClinVar aggregate classification (germline): Pathogenic (1 of 4 stars; one submission).

Conditions:
Alport syndrome. Also called: Hemorrhagic familial nephritis; Hemorrhagic hereditary nephritis; Congenital hereditary hematuria. Identifiers: Orphanet 63, MedGen C1567741, MONDO:0018965.

Submission:

Myriad Genetics, Inc.
Classification: Pathogenic for Alport syndrome. Last evaluated: 2026-06-05. Review status: criteria provided, single submitter. Criteria: Myriad Autosomal Dominant, Autosomal Recessive and X-Linked Classification Criteria (2023). Collection method: clinical testing. Allele origin: unknown.
Comment: NM_000092.4(COL4A4):c.2647_2648insT(P883Lfs*14) is expected to be pathogenic in the context of Alport syndrome, COL4A4-related. This variant is predicted to lead to an abnormal or absent protein product due to the creation of a premature termination codon in COL4A4, a gene where loss-of-function variants are known to be pathogenic. Please note: this variant was assessed in the context of healthy population screening.